The following is an entry in ClinVar:

NM_001939.3(DRP2):c.176T>G (p.Leu59Arg)

Gene: DRP2 (dystrophin related protein 2; plus strand). Cytogenetic location: Xq22.1.
Variant type: single nucleotide variant.
Coding change: c.176T>G on transcript NM_001939.3 (MANE Select); coding-DNA position 176, T replaced by G.
Protein change: p.Leu59Arg; replaces leucine 59 with arginine.
Molecular consequence: missense variant. On other transcripts: 5 prime UTR variant (1).
Genome position (GRCh38, 1-based): chrX:101,235,918, T>G. VCF-style: chrX-101235918-T-G. GRCh37 (hg19) VCF-style: chrX-100490907-T-G.
Other names: c.-59T>G (NM_001171184.2); c.176T>G (NM_001939.2); short protein forms L59R.
Identifiers: ClinVar variation 1979772 (VCV001979772.5), dbSNP rs142761197, ClinGen allele CA10472023.

ClinVar aggregate classification (germline): Uncertain significance. Review status: criteria provided, multiple submitters, no conflicts (2 of 4 stars). 2 submissions from 2 submitters: Uncertain significance (2). Last evaluated 2025-05-19.

Allele frequency attached by ClinVar (database versions not stated): gnomAD exomes 0.00001; ExAC 0.00003; gnomAD 0.00015; TOPMed 0.00017.
gnomAD v4.1: 31 of 1,210,320 alleles (0.0026%); highest among the groups gnomAD compares: African/African-American, 0.054%; no homozygotes.

Submissions (2):

Labcorp Genetics (formerly Invitae), Labcorp
Classification: Uncertain significance. Last evaluated: 2025-05-19. Review status: criteria provided, single submitter. Criteria: Invitae Variant Classification Sherloc (09022015). Collection method: clinical testing. Allele origin: germline.
Comment: This sequence change replaces leucine, which is neutral and non-polar, with arginine, which is basic and polar, at codon 59 of the DRP2 protein (p.Leu59Arg). This variant is present in population databases (rs142761197, gnomAD 0.03%). This variant has not been reported in the literature in individuals affected with DRP2-related conditions. ClinVar contains an entry for this variant (Variation ID: 1979772). Invitae Evidence Modeling of protein sequence and biophysical properties (such as structural, functional, and spatial information, amino acid conservation, physicochemical variation, residue mobility, and thermodynamic stability) indicates that this missense variant is not expected to disrupt DRP2 protein function with a negative predictive value of 80%. In summary, the available evidence is currently insufficient to determine the role of this variant in disease. Therefore, it has been classified as a Variant of Uncertain Significance.

Ambry Genetics
Classification: Uncertain significance. Last evaluated: 2024-04-27. Review status: criteria provided, single submitter. Criteria: Ambry Variant Classification Scheme 2023. Collection method: clinical testing. Allele origin: germline.